The following is an entry in ClinVar:

NM_000388.4(CASR):c.2363T>C (p.Phe788Ser)

Gene: CASR (calcium sensing receptor; plus strand). Cytogenetic location: 3q21.1.
Variant type: single nucleotide variant.
Coding change: c.2363T>C on transcript NM_000388.4 (MANE Select); coding-DNA position 2363, T replaced by C.
Protein change: p.Phe788Ser; replaces phenylalanine 788 with serine.
Molecular consequence: missense variant.
Genome position (GRCh38, 1-based): chr3:122,284,317, T>C. VCF-style: chr3-122284317-T-C. GRCh37 (hg19) VCF-style: chr3-122003164-T-C.
Other names: c.2393T>C, p.Phe798Ser (NM_001178065.2); short protein forms F798S, F788S.
Identifiers: ClinVar variation 2027405 (VCV002027405.4), dbSNP rs104893701, ClinGen allele CA354159632.

ClinVar aggregate classification (germline): Uncertain significance (1 of 4 stars; one submission).

Conditions:
Autosomal dominant hypocalcemia 1 (HYPOC1). Also called: HYPOCALCEMIA, FAMILIAL. Identifiers: MedGen C3715128, MONDO:0011013, OMIM 601198.
Familial hypocalciuric hypercalcemia (FHH). Also called: Familial benign hypercalcemia. Identifiers: Orphanet 405, MedGen C1809471, MONDO:0018458.

Submission:

Labcorp Genetics (formerly Invitae), Labcorp
Classification: Uncertain significance for Familial hypocalciuric hypercalcemia; Autosomal dominant hypocalcemia 1. Last evaluated: 2022-08-27. Review status: criteria provided, single submitter. Criteria: Invitae Variant Classification Sherloc (09022015). Collection method: clinical testing. Allele origin: germline.
Comment: Algorithms developed to predict the effect of missense changes on protein structure and function (SIFT, PolyPhen-2, Align-GVGD) all suggest that this variant is likely to be disruptive. This variant has not been reported in the literature in individuals affected with CASR-related conditions. This variant is not present in population databases (gnomAD no frequency). This sequence change replaces phenylalanine, which is neutral and non-polar, with serine, which is neutral and polar, at codon 788 of the CASR protein (p.Phe788Ser). This variant disrupts the p.Phe788 amino acid residue in CASR. Other variant(s) that disrupt this residue have been determined to be pathogenic (PMID: 9661634, 17284438, 19389809, 24297799, 26323216). This suggests that this residue is clinically significant, and that variants that disrupt this residue are likely to be disease-causing. In summary, the available evidence is currently insufficient to determine the role of this variant in disease. Therefore, it has been classified as a Variant of Uncertain Significance.

Literature cited by the submitters: PubMed 9661634; PubMed 17284438; PubMed 19389809; PubMed 24297799; PubMed 26323216.